The following is an entry in ClinVar:

NM_006031.6(PCNT):c.467_505dup (p.His156_Gln168dup)

Gene: PCNT (pericentrin; plus strand). Cytogenetic location: 21q22.3.
Variant type: Duplication.
Coding change: c.467_505dup on transcript NM_006031.6 (MANE Select); coding-DNA positions 467 to 505, 39 bases duplicated.
Protein change: p.His156_Gln168dup.
Molecular consequence: inframe insertion.
Genome position (GRCh38, 1-based): chr21:46,334,596-46,334,634, 39 bases duplicated; duplicating any 39 consecutive bases within chr21:46,334,558-46,334,634 gives the same sequence; the c. name uses the placement nearest the transcript's 3' end. GRCh37 (hg19): chr21:47,754,510-47,754,548.
Other names: c.113_151dup, p.His38_Gln50dup (NM_001315529.2); c.467_505dupATGGGATGTTCACAGTCAGTGACCACCCACCAGAACAGC (NM_006031.5); c.467_505dup39 (NM_006031.5).
Identifiers: ClinVar variation 211862 (VCV000211862.32), dbSNP rs587784306, ClinGen allele CA209336.

ClinVar aggregate classification (germline): Benign/Likely benign. Review status: criteria provided, multiple submitters, no conflicts (2 of 4 stars). 10 submissions from 9 submitters: Benign (4); Likely benign (2). 4 of the submissions do not count toward it. Last evaluated 2026-02-04.

Conditions:
PCNT-related disorder. Also called: PCNT-related condition.
Microcephalic osteodysplastic primordial dwarfism type II (MOPD2). Also called: MOPD II; OSTEODYSPLASTIC PRIMORDIAL DWARFISM, TYPE II; Microcephalic osteodysplastic primordial dwarfism with tooth abnormalities. Identifiers: Orphanet 2637, MedGen C0432246, MONDO:0008872, OMIM 210720.

Submissions (10):

Labcorp Genetics (formerly Invitae), Labcorp
Classification: Benign. Last evaluated: 2026-02-04. Review status: criteria provided, single submitter. Criteria: Invitae Variant Classification Sherloc (09022015). Collection method: clinical testing. Allele origin: germline.

ARUP Laboratories, Molecular Genetics and Genomics, ARUP Laboratories
Classification: Benign for Microcephalic osteodysplastic primordial dwarfism type II. Last evaluated: 2025-05-23. Review status: criteria provided, single submitter. Criteria: ARUP Molecular Germline Variant Investigation Process 2024. Collection method: clinical testing. Allele origin: germline.

Laboratory of Genetics, Children's Clinical University Hospital Latvia
Classification: Benign. Last evaluated: 2025-02-16. Review status: criteria provided, single submitter. Criteria: ACMG Guidelines, 2015. Collection method: clinical testing. Allele origin: germline. Affected: yes.

GeneDx
Classification: Benign. Last evaluated: 2017-11-29. Review status: criteria provided, single submitter. Criteria: GeneDx Variant Classification Process June 2021. Collection method: clinical testing. Allele origin: germline. Affected: yes.

Clinical Genetics DNA and cytogenetics Diagnostics Lab, Erasmus MC, Erasmus Medical Center
Classification: Likely benign for Microcephalic osteodysplastic primordial dwarfism type II. Last evaluated: 2017-02-22. Review status: criteria provided, single submitter. Criteria: ACGS Guidelines, 2013. Collection method: clinical testing. Allele origin: germline. Affected: yes. Study: VKGL Data-share Consensus.

Genetic Services Laboratory, University of Chicago
Classification: Likely benign. Last evaluated: 2015-07-31. Review status: criteria provided, single submitter. Criteria: ACMG Guidelines, 2015. Collection method: clinical testing. Allele origin: germline.

PreventionGenetics, part of Exact Sciences
Classification: Benign for PCNT-related condition. Last evaluated: 2021-09-28. Review status: no assertion criteria provided. Collection method: clinical testing. Allele origin: germline. Not counted in ClinVar's aggregate classification.
Comment: This variant is classified as benign based on ACMG/AMP sequence variant interpretation guidelines (Richards et al. 2015 PMID: 25741868, with internal and published modifications).

Diagnostic Laboratory, Department of Genetics, University Medical Center Groningen
Classification: Likely benign. Review status: no assertion criteria provided. Collection method: clinical testing. Allele origin: germline. Affected: yes. Study: VKGL Data-share Consensus. Not counted in ClinVar's aggregate classification.

Laboratory of Diagnostic Genome Analysis, Leiden University Medical Center (LUMC)
Classification: Likely benign. Review status: no assertion criteria provided. Collection method: clinical testing. Allele origin: germline. Affected: yes. Study: VKGL Data-share Consensus. Not counted in ClinVar's aggregate classification.

GeneDx
Classification: Benign. Last evaluated: 2018-07-31. Review status: flagged submission. Criteria: GeneDx Variant Classification Process June 2021. Collection method: clinical testing. Allele origin: germline. Affected: yes. Not counted in ClinVar's aggregate classification.
ClinVar note: Reason: This record appears to be redundant with a more recent record from the same submitter.
ClinVar note: Notes: SCV001885423 appears to be redundant with SCV000569411.